The following is an entry in ClinVar:

NM_022552.5(DNMT3A):c.1425_1426del (p.Glu477fs)

Gene: DNMT3A (DNA methyltransferase 3 alpha; minus strand). Cytogenetic location: 2p23.3.
Variant type: Deletion.
Coding change: c.1425_1426del on transcript NM_022552.5 (MANE Select); coding-DNA positions 1425 to 1426, 2 bases deleted (AA; older notation c.1425_1426delAA).
Protein change: p.Glu477fs; shifts the reading frame from glutamic acid 477.
Molecular consequence: frameshift variant. On other transcripts: non-coding transcript variant (1).
Genome position (GRCh38, 1-based): chr2:25,246,163-25,246,164, TT deleted on the plus strand (AA on the coding strand, the reverse complement: DNMT3A is on the minus strand). VCF-style (leftmost placement, unchanged base first): chr2-25246162-CTT-C. GRCh37 (hg19) VCF-style: chr2-25469031-CTT-C.
Other names: c.969_970del, p.Glu325fs (NM_001320893.1); c.756_757del, p.Glu254fs (NM_001375819.1); c.858_859del, p.Glu288fs (NM_153759.3); c.1425_1426del, p.Glu477fs (NM_175629.2); short protein forms E254fs, E288fs, E325fs, E477fs.
Identifiers: ClinVar variation 4798281 (VCV004798281.1).

ClinVar aggregate classification (germline): Pathogenic (1 of 4 stars; one submission).

Conditions:
Tatton-Brown-Rahman overgrowth syndrome. Also called: Tatton-Brown-Rahman syndrome; Tall stature-intellectual disability-facial dysmorphism syndrome. Identifiers: Orphanet 404443, MedGen C4014545, MONDO:0014382, OMIM 615879.

Submission:

Labcorp Genetics (formerly Invitae), Labcorp
Classification: Pathogenic for Tatton-Brown-Rahman overgrowth syndrome. Last evaluated: 2025-06-22. Review status: criteria provided, single submitter. Criteria: Invitae Variant Classification Sherloc (09022015). Collection method: clinical testing. Allele origin: germline.
Comment: This sequence change creates a premature translational stop signal (p.Glu477Alafs*14) in the DNMT3A gene. It is expected to result in an absent or disrupted protein product. Loss-of-function variants in DNMT3A are known to be pathogenic (PMID: 24614070). This variant is not present in population databases (gnomAD no frequency). This variant has not been reported in the literature in individuals affected with DNMT3A-related conditions. For these reasons, this variant has been classified as Pathogenic.

Literature cited by the submitters: PubMed 24614070.